The following is an entry in ClinVar:

NM_000316.3(PTH1R):c.228G>A (p.Gly76=)

Gene: PTH1R (parathyroid hormone 1 receptor; plus strand). Cytogenetic location: 3p21.31.
Variant type: single nucleotide variant.
Coding change: c.228G>A on transcript NM_000316.3 (MANE Select); coding-DNA position 228, G replaced by A.
Protein change: p.Gly76=; no amino-acid change (glycine 76 retained).
Molecular consequence: synonymous variant.
Genome position (GRCh38, 1-based): chr3:46,895,784, G>A. VCF-style: chr3-46895784-G-A. GRCh37 (hg19) VCF-style: chr3-46937274-G-A.
Other names: c.228G>A, p.Gly76= (NM_001184744.1).
Identifiers: ClinVar variation 3389305 (VCV003389305.14).

ClinVar aggregate classification (germline): Likely benign (1 of 4 stars; one submission).

Submission:

CeGaT Center for Human Genetics Tuebingen
Classification: Likely benign. Last evaluated: 2024-10-01. Review status: criteria provided, single submitter. Criteria: CeGaT Center For Human Genetics Tuebingen Variant Classification Criteria Version 2. Collection method: clinical testing. Allele origin: germline. Affected: yes. Observed: 1 variant allele.
Comment: PTH1R: BP4, BP7